The following is an entry in ClinVar:

ClinVar aggregate classification (germline): Uncertain significance (1 of 4 stars; one submission).

Conditions:
Primary familial hypertrophic cardiomyopathy (HCM). Identifiers: Orphanet 99739, MedGen C0949658, MeSH D024741, MONDO:0024573. Inheritance: Various modes of inheritance.
Dilated cardiomyopathy 1AA (CMD1AA). Also called: CARDIOMYOPATHY, FAMILIAL HYPERTROPHIC, 23, WITH OR WITHOUT LEFT VENTRICULAR NONCOMPACTION; CARDIOMYOPATHY, DILATED, 1AA, WITH OR WITHOUT LEFT VENTRICULAR NONCOMPACTION; Cardiomyopathy, dilated, 1AA, with or without LVNC. Identifiers: Orphanet 154, MedGen C2677338, MONDO:0012808, OMIM 612158.

Submission:

Labcorp Genetics (formerly Invitae), Labcorp
Classification: Uncertain significance for Primary familial hypertrophic cardiomyopathy; Dilated cardiomyopathy 1AA. Last evaluated: 2025-10-13. Review status: criteria provided, single submitter. Criteria: Invitae Variant Classification Sherloc (09022015). Collection method: clinical testing. Allele origin: germline.
Comment: This sequence change replaces alanine, which is neutral and non-polar, with aspartic acid, which is acidic and polar, at codon 266 of the ACTN2 protein (p.Ala266Asp). This variant is not present in population databases (gnomAD no frequency). This variant has not been reported in the literature in individuals affected with ACTN2-related conditions. ClinVar contains an entry for this variant (Variation ID: 1961597). Invitae Evidence Modeling of protein sequence and biophysical properties (such as structural, functional, and spatial information, amino acid conservation, physicochemical variation, residue mobility, and thermodynamic stability) indicates that this missense variant is expected to disrupt ACTN2 protein function with a positive predictive value of 80%. In summary, the available evidence is currently insufficient to determine the role of this variant in disease. Therefore, it has been classified as a Variant of Uncertain Significance.

NM_001103.4(ACTN2):c.797C>A (p.Ala266Asp)

Gene: ACTN2 (actinin alpha 2; plus strand). Cytogenetic location: 1q43.
Variant type: single nucleotide variant.
Coding change: c.797C>A on transcript NM_001103.4 (MANE Select); coding-DNA position 797, C replaced by A.
Protein change: p.Ala266Asp; replaces alanine 266 with aspartic acid.
Molecular consequence: missense variant.
Genome position (GRCh38, 1-based): chr1:236,737,135, C>A. VCF-style: chr1-236737135-C-A. GRCh37 (hg19) VCF-style: chr1-236900435-C-A.
Other names: c.797C>A, p.Ala266Asp (NM_001278343.2); c.173C>A, p.Ala58Asp (NM_001278344.2); c.47C>A, p.Ala16Asp (NM_001412150.1); short protein forms A58D, A266D, A16D.
Identifiers: ClinVar variation 1961597 (VCV001961597.5), dbSNP rs2527591864, ClinGen allele CA345378797.
Genomic context (GRCh38, chr1:236,737,135, plus strand): 5'-GCATTCCCGTCGACAGAGCCGTCCTGTTTACCTATTGTGTTTTACAGGCCGAGACAGCGG[C>A]TAACAGGATATGTAAGGTTCTTGCTGTGAATCAAGAGAATGAGAGGCTGATGGAAGAATA-3'
Protein context (NP_001094.1, residues 256-276): FAGAEQAETA[Ala266Asp]NRICKVLAVN